The following is an entry in ClinVar:

NM_001023.4(RPS20):c.105G>A (p.Val35=)

Gene: RPS20 (ribosomal protein S20; minus strand). Cytogenetic location: 8q12.1.
Variant type: single nucleotide variant.
Coding change: c.105G>A on transcript NM_001023.4 (MANE Select); coding-DNA position 105, G replaced by A.
Protein change: p.Val35=; no amino-acid change (valine 35 retained).
Molecular consequence: synonymous variant.
Genome position (GRCh38, 1-based): chr8:56,073,767, C>T on the plus strand (G>A on the coding strand, the complement: RPS20 is on the minus strand). VCF-style: chr8-56073767-C-T. GRCh37 (hg19) VCF-style: chr8-56986326-C-T.
Other names: c.105G>A, p.Val35= (NM_001146227.3); c.105G>A (NM_001023.3).
Identifiers: ClinVar variation 1604878 (VCV001604878.10), dbSNP rs748996829, ClinGen allele CA4754373.
Genomic context (GRCh38, chr8:56,073,767, plus strand): 5'-TCGAACTGGTCCTTTCACTTTGAGATTCTTTTCTTTTGCGCCTCTTATCAAGTCAGCACA[C>T]ACTACAGGAAATAAAAGACCTCTCAGTATAATCGAAACAATTAAAATCGGCTTAAGGCCT-3'
Protein context (NP_001014.1, residues 25-45): TSRNVKSLEK[Val35=]CADLIRGAKE

ClinVar aggregate classification (germline): Benign/Likely benign. Review status: criteria provided, multiple submitters, no conflicts (2 of 4 stars). 3 submissions from 3 submitters: Benign (1); Likely benign (2). Last evaluated 2026-08-03.

Conditions:
Familial colorectal cancer type X. Identifiers: Orphanet 440437, MedGen C3896578, MONDO:0018604.

Allele frequency attached by ClinVar (database versions not stated): gnomAD exomes below 0.00001; TOPMed below 0.00001; ExAC 0.00001.
gnomAD v4.1: 7 of 1,614,002 alleles (0.00043%); highest among the groups gnomAD compares: Admixed American, 0.0033%; no homozygotes.

Submissions (3):

Myriad Genetics, Inc.
Classification: Benign for Familial colorectal cancer type X. Last evaluated: 2026-08-03. Review status: criteria provided, single submitter. Criteria: Myriad Autosomal Dominant, Autosomal Recessive and X-Linked Classification Criteria (2023). Collection method: clinical testing. Allele origin: unknown.
Comment: This variant is considered benign. This variant is a silent/synonymous amino acid change and it is not expected to impact splicing.

Ambry Genetics
Classification: Likely benign. Last evaluated: 2023-11-06. Review status: criteria provided, single submitter. Criteria: Ambry Variant Classification Scheme 2023. Collection method: clinical testing. Allele origin: germline.

Labcorp Genetics (formerly Invitae), Labcorp
Classification: Likely benign. Last evaluated: 2021-10-24. Review status: criteria provided, single submitter. Criteria: Invitae Variant Classification Sherloc (09022015). Collection method: clinical testing. Allele origin: germline.